The following is an entry in ClinVar:

NM_001377.3(DYNC2H1):c.6406G>T (p.Glu2136Ter)

Gene: DYNC2H1 (dynein cytoplasmic 2 heavy chain 1; plus strand). Cytogenetic location: 11q22.3.
Variant type: single nucleotide variant.
Coding change: c.6406G>T on transcript NM_001377.3 (MANE Select); coding-DNA position 6406, G replaced by T.
Protein change: p.Glu2136Ter; replaces glutamic acid 2136 with a stop codon.
Molecular consequence: nonsense.
Genome position (GRCh38, 1-based): chr11:103,181,815, G>T. VCF-style: chr11-103181815-G-T. GRCh37 (hg19) VCF-style: chr11-103052544-G-T.
Other names: c.6406G>T, p.Glu2136Ter (NM_001080463.2); short protein forms E2136*.
Identifiers: ClinVar variation 5013303 (VCV005013303.1).

ClinVar aggregate classification (germline): Pathogenic (1 of 4 stars; one submission).

Conditions:
Asphyxiating thoracic dystrophy 3. Also called: Saldino-Noonan Syndrome; SHORT-RIB THORACIC DYSPLASIA 3 WITH OR WITHOUT POLYDACTYLY; POLYDACTYLY WITH NEONATAL CHONDRODYSTROPHY, TYPE I; SHORT-RIB THORACIC DYSPLASIA 3/6 WITH POLYDACTYLY, DIGENIC; Short rib polydactyly syndrome 2B. Identifiers: Orphanet 474, Orphanet 93269, Orphanet 93270, Orphanet 93271, MedGen C0036069, MONDO:0013127, OMIM 613091.

Submission:

Myriad Genetics, Inc.
Classification: Pathogenic for Asphyxiating thoracic dystrophy 3. Last evaluated: 2024-07-11. Review status: criteria provided, single submitter. Criteria: Myriad Autosomal Dominant, Autosomal Recessive and X-Linked Classification Criteria (2023). Collection method: clinical testing. Allele origin: unknown.
Comment: NM_001377.2(DYNC2H1):c.6406G>T(E2136*) is expected to be pathogenic in the context of DYNC2H1-related disorders. This variant is predicted to lead to an abnormal or absent protein product due to the creation of a premature termination codon in DYNC2H1, a gene where loss-of-function variants are known to be pathogenic. Please note: this variant was assessed in the context of healthy population screening.